The following is an entry in ClinVar:

ClinVar aggregate classification (germline): Uncertain significance (1 of 4 stars; one submission).

Submission:

Labcorp Genetics (formerly Invitae), Labcorp
Classification: Uncertain significance. Last evaluated: 2022-10-21. Review status: criteria provided, single submitter. Criteria: Invitae Variant Classification Sherloc (09022015). Collection method: clinical testing. Allele origin: germline.
Comment: This variant has not been reported in the literature in individuals affected with C3-related conditions. This sequence change replaces alanine, which is neutral and non-polar, with threonine, which is neutral and polar, at codon 876 of the C3 protein (p.Ala876Thr). This variant is not present in population databases (gnomAD no frequency). Advanced modeling of protein sequence and biophysical properties (such as structural, functional, and spatial information, amino acid conservation, physicochemical variation, residue mobility, and thermodynamic stability) performed at Invitae indicates that this missense variant is expected to disrupt C3 protein function. In summary, the available evidence is currently insufficient to determine the role of this variant in disease. Therefore, it has been classified as a Variant of Uncertain Significance.

NM_000064.4(C3):c.2626G>A (p.Ala876Thr)

Gene: C3 (complement C3; minus strand). Cytogenetic location: 19p13.3.
Variant type: single nucleotide variant.
Coding change: c.2626G>A on transcript NM_000064.4 (MANE Select); coding-DNA position 2626, G replaced by A.
Protein change: p.Ala876Thr; replaces alanine 876 with threonine.
Molecular consequence: missense variant.
Genome position (GRCh38, 1-based): chr19:6,697,514, C>T on the plus strand (G>A on the coding strand, the complement: C3 is on the minus strand). VCF-style: chr19-6697514-C-T. GRCh37 (hg19) VCF-style: chr19-6697525-C-T.
Other names: short protein forms A876T.
Identifiers: ClinVar variation 1721989 (VCV001721989.5), dbSNP rs2512247813, ClinGen allele CA403633349.